The following is an entry in ClinVar:

ClinVar aggregate classification (germline): Uncertain significance (1 of 4 stars; one submission).

Conditions:
46,XY sex reversal 9 (SRXY9). Also called: 46,XY SEX REVERSAL, ZFPM2-RELATED. Identifiers: Orphanet 251510, MedGen C4015129, MONDO:0014480, OMIM 616067.

Allele frequency attached by ClinVar (database versions not stated): TOPMed below 0.00001; ExAC 0.00002; gnomAD exomes 0.00002.
gnomAD v4.1: 29 of 1,613,638 alleles (0.0018%); highest among the groups gnomAD compares: Non-Finnish European, 0.0024%; no homozygotes.

Submission:

Labcorp Genetics (formerly Invitae), Labcorp
Classification: Uncertain significance for 46,XY sex reversal 9. Last evaluated: 2025-11-06. Review status: criteria provided, single submitter. Criteria: Invitae Variant Classification Sherloc (09022015). Collection method: clinical testing. Allele origin: germline.
Comment: This sequence change replaces glycine, which is neutral and non-polar, with glutamic acid, which is acidic and polar, at codon 920 of the ZFPM2 protein (p.Gly920Glu). This variant is present in population databases (rs747010827, gnomAD 0.003%). This variant has not been reported in the literature in individuals affected with ZFPM2-related conditions. ClinVar contains an entry for this variant (Variation ID: 1349234). An algorithm developed to predict the effect of missense changes on protein structure and function (PolyPhen-2) suggests that this variant is likely to be disruptive. In summary, the available evidence is currently insufficient to determine the role of this variant in disease. Therefore, it has been classified as a Variant of Uncertain Significance.

NM_012082.4(ZFPM2):c.2759G>A (p.Gly920Glu)

Genes: ZFPM2 (zinc finger protein, FOG family member 2; plus strand), ZFPM2-AS1 (ZFPM2 antisense RNA 1; minus strand), LOC126860469 (BRD4-independent group 4 enhancer GRCh37_chr8:106814445-106815644; plus strand). Cytogenetic location: 8q23.1.
Variant type: single nucleotide variant.
Coding change: c.2759G>A on transcript NM_012082.4 (MANE Select); coding-DNA position 2759, G replaced by A.
Protein change: p.Gly920Glu; replaces glycine 920 with glutamic acid.
Molecular consequence: missense variant.
Genome position (GRCh38, 1-based): chr8:105,802,841, G>A. VCF-style: chr8-105802841-G-A. GRCh37 (hg19) VCF-style: chr8-106815069-G-A.
Other names: c.2600G>A, p.Gly867Glu (NM_001362836.2); c.2363G>A, p.Gly788Glu (NM_001362837.2); short protein forms G867E, G788E, G920E.
Identifiers: ClinVar variation 1349234 (VCV001349234.8), dbSNP rs747010827, ClinGen allele CA4839959.
Genomic context (GRCh38, chr8:105,802,841, plus strand): 5'-GCGAACGAAACAGCCCTGATGTCAGCTACGAAAGAAGCATAATAAAATGTGAGAAAAATG[G>A]GAATTTGAAGCAGCCTTCCCCCAATGGAAACTTATTTTCATCCCACCTAGCAACCCTGCA-3'
Protein context (NP_036214.2, residues 910-930): ERSIIKCEKN[Gly920Glu]NLKQPSPNGN